The following is an entry in ClinVar:

ClinVar aggregate classification (germline): Uncertain significance (1 of 4 stars; one submission).

Submission:

CeGaT Center for Human Genetics Tuebingen
Classification: Uncertain significance. Last evaluated: 2024-09-01. Review status: criteria provided, single submitter. Criteria: CeGaT Center For Human Genetics Tuebingen Variant Classification Criteria Version 2. Collection method: clinical testing. Allele origin: germline. Affected: yes. Observed: 1 variant allele.
Comment: MARS1: PM2

NM_004990.4(MARS1):c.580G>A (p.Gly194Ser)

Gene: MARS1 (methionyl-tRNA synthetase 1; plus strand). Cytogenetic location: 12q13.3.
Variant type: single nucleotide variant.
Coding change: c.580G>A on transcript NM_004990.4 (MANE Select); coding-DNA position 580, G replaced by A.
Protein change: p.Gly194Ser; replaces glycine 194 with serine.
Molecular consequence: missense variant.
Genome position (GRCh38, 1-based): chr12:57,490,296, G>A. VCF-style: chr12-57490296-G-A. GRCh37 (hg19) VCF-style: chr12-57884079-G-A.
Other names: short protein forms G194S.
Identifiers: ClinVar variation 3389704 (VCV003389704.14).